The following is an entry in ClinVar:

NM_001370298.3(FGD4):c.2518G>T (p.Ala840Ser)

Gene: FGD4 (FYVE, RhoGEF and PH domain containing 4; plus strand). Cytogenetic location: 12p11.21.
Variant type: single nucleotide variant.
Coding change: c.2518G>T on transcript NM_001370298.3 (MANE Select); coding-DNA position 2518, G replaced by T.
Protein change: p.Ala840Ser; replaces alanine 840 with serine.
Molecular consequence: missense variant.
Genome position (GRCh38, 1-based): chr12:32,640,339, G>T. VCF-style: chr12-32640339-G-T. GRCh37 (hg19) VCF-style: chr12-32793273-G-T.
Other names: c.2362G>T, p.Ala788Ser (NM_001304481.2); c.1075G>T, p.Ala359Ser (NM_001304484.2); c.1828G>T, p.Ala610Ser (NM_001330373.2, NM_001330374.2, NM_001384130.1); c.1555G>T, p.Ala519Ser (NM_001370297.1); c.2518G>T, p.Ala840Ser (NM_001384126.1); c.2107G>T, p.Ala703Ser (NM_001384127.1, NM_001384128.1, NM_001385118.1 and 1 more transcripts); short protein forms A359S, A519S, A610S, A840S, A788S, A703S.
Identifiers: ClinVar variation 1381702 (VCV001381702.8), dbSNP rs145630882, ClinGen allele CA384372353.

ClinVar aggregate classification (germline): Uncertain significance (1 of 4 stars; one submission).

Conditions:
Charcot-Marie-Tooth disease type 4. Also called: Charcot-Marie-Tooth disease, type IV; Charcot-Marie-Tooth, Type 4. Identifiers: Orphanet 64749, MedGen C4082197, MONDO:0018995.

gnomAD v4.1: 1 of 1,614,146 alleles (0.000062%); highest among the groups gnomAD compares: Non-Finnish European, 0.000085%; no homozygotes.

Submission:

Labcorp Genetics (formerly Invitae), Labcorp
Classification: Uncertain significance for Charcot-Marie-Tooth disease type 4. Last evaluated: 2025-07-10. Review status: criteria provided, single submitter. Criteria: Invitae Variant Classification Sherloc (09022015). Collection method: clinical testing. Allele origin: germline.
Comment: This sequence change replaces alanine, which is neutral and non-polar, with serine, which is neutral and polar, at codon 703 of the FGD4 protein (p.Ala703Ser). This variant is not present in population databases (gnomAD no frequency). This variant has not been reported in the literature in individuals affected with FGD4-related conditions. ClinVar contains an entry for this variant (Variation ID: 1381702). Invitae Evidence Modeling of protein sequence and biophysical properties (such as structural, functional, and spatial information, amino acid conservation, physicochemical variation, residue mobility, and thermodynamic stability) indicates that this missense variant is not expected to disrupt FGD4 protein function with a negative predictive value of 80%. In summary, the available evidence is currently insufficient to determine the role of this variant in disease. Therefore, it has been classified as a Variant of Uncertain Significance.